The following is an entry in ClinVar:

ClinVar aggregate classification (germline): Uncertain significance (1 of 4 stars; one submission).

gnomAD v4.1: 2 of 1,614,020 alleles (0.00012%); highest among the groups gnomAD compares: African/African-American, 0.0027%; no homozygotes.

Submission:

Ambry Genetics
Classification: Uncertain significance. Last evaluated: 2025-03-26. Review status: criteria provided, single submitter. Criteria: Ambry Variant Classification Scheme 2023. Collection method: clinical testing. Allele origin: germline.
Comment: The p.M600T variant (also known as c.1799T>C), located in coding exon 1 of the TET2 gene, results from a T to C substitution at nucleotide position 1799. The methionine at codon 600 is replaced by threonine, an amino acid with similar properties. This amino acid position is conserved. In addition, this alteration is predicted to be tolerated by in silico analysis. Based on the available evidence, the clinical significance of this variant remains unclear.

NM_001127208.3(TET2):c.1799T>C (p.Met600Thr)

Genes: TET2 (tet methylcytosine dioxygenase 2; plus strand), TET2-AS1 (TET2 antisense RNA 1; minus strand). Cytogenetic location: 4q24.
Variant type: single nucleotide variant.
Coding change: c.1799T>C on transcript NM_001127208.3 (MANE Select); coding-DNA position 1799, T replaced by C.
Protein change: p.Met600Thr; replaces methionine 600 with threonine.
Molecular consequence: missense variant.
Genome position (GRCh38, 1-based): chr4:105,235,741, T>C. VCF-style: chr4-105235741-T-C. GRCh37 (hg19) VCF-style: chr4-106156898-T-C.
Other names: c.1799T>C, p.Met600Thr (NM_017628.4); short protein forms M600T.
Identifiers: ClinVar variation 3967486 (VCV003967486.1).
Genomic context (GRCh38, chr4:105,235,741, plus strand): 5'-AACGTAATGAGGCATCACTGCCATCAATTCTTCAGTATCAACCCAATCTCTCCAATCAAA[T>C]GACCTCCAAACAATACACTGGAAATTCCAACATGCCTGGGGGGCTCCCAAGGCAAGCTTA-3'
Protein context (NP_001120680.1, residues 590-610): LQYQPNLSNQ[Met600Thr]TSKQYTGNSN